The following is an entry in ClinVar:

NM_001430.5(EPAS1):c.2047T>C (p.Ser683Pro)

Gene: EPAS1 (endothelial PAS domain protein 1; plus strand). Cytogenetic location: 2p21.
Variant type: single nucleotide variant.
Coding change: c.2047T>C on transcript NM_001430.5 (MANE Select); coding-DNA position 2047, T replaced by C.
Protein change: p.Ser683Pro; replaces serine 683 with proline.
Molecular consequence: missense variant.
Genome position (GRCh38, 1-based): chr2:46,381,597, T>C. VCF-style: chr2-46381597-T-C. GRCh37 (hg19) VCF-style: chr2-46608736-T-C.
Other names: short protein forms S683P.
Identifiers: ClinVar variation 3275683 (VCV003275683.1).

ClinVar aggregate classification (germline): Uncertain significance (1 of 4 stars; one submission).

Conditions:
Inborn genetic diseases. Identifiers: MedGen C0950123, MeSH D030342.

Submission:

Ambry Genetics
Classification: Uncertain significance for Inborn genetic diseases. Last evaluated: 2024-03-18. Review status: criteria provided, single submitter. Criteria: Ambry Variant Classification Scheme 2023. Collection method: clinical testing. Allele origin: germline.
Comment: The p.S683P variant (also known as c.2047T>C), located in coding exon 13 of the EPAS1 gene, results from a T to C substitution at nucleotide position 2047. The serine at codon 683 is replaced by proline, an amino acid with similar properties. This amino acid position is conserved. In addition, this alteration is predicted to be tolerated by in silico analysis. Based on the available evidence, the clinical significance of this alteration remains unclear.